The following is an entry in ClinVar:

NM_001611.5(ACP5):c.526del (p.Arg176fs)

Gene: ACP5 (acid phosphatase 5, tartrate resistant; minus strand). Cytogenetic location: 19p13.2.
Variant type: Deletion.
Coding change: c.526del on transcript NM_001611.5 (MANE Select); coding-DNA position 526, one base deleted (C; older notation c.526delC).
Protein change: p.Arg176fs; shifts the reading frame from arginine 176.
Molecular consequence: frameshift variant.
Genome position (GRCh38, 1-based): chr19:11,576,452, G deleted on the plus strand (C on the coding strand, the reverse complement: ACP5 is on the minus strand); the first of 4 consecutive G bases (chr19:11,576,452-11,576,455); deleting any one gives the same sequence. VCF-style (leftmost placement, unchanged base first): chr19-11576451-CG-C. GRCh37 (hg19) VCF-style: chr19-11687266-CG-C.
Other names: c.526del, p.Arg176fs (NM_001111034.3, NM_001111035.3, NM_001111036.3 and 1 more transcripts); short protein forms R176fs.
Identifiers: ClinVar variation 1373515 (VCV001373515.6), dbSNP rs2145089035, ClinGen allele CA2573156050.

ClinVar aggregate classification (germline): Pathogenic (1 of 4 stars; one submission).

Conditions:
Spondyloenchondrodysplasia with immune dysregulation (SPENCDI). Also called: ROIFMAN IMMUNOSKELETAL SYNDROME; COMBINED IMMUNODEFICIENCY WITH AUTOIMMUNITY AND SPONDYLOMETAPHYSEAL DYSPLASIA; SPONDYLOENCHONDRODYSPLASIA WITH OR WITHOUT IMMUNE DYSREGULATION. Identifiers: Orphanet 1855, MedGen C1842763, MONDO:0011939, OMIM 607944.

Submission:

Labcorp Genetics (formerly Invitae), Labcorp
Classification: Pathogenic for Spondyloenchondrodysplasia with immune dysregulation. Last evaluated: 2021-12-20. Review status: criteria provided, single submitter. Criteria: Invitae Variant Classification Sherloc (09022015). Collection method: clinical testing. Allele origin: germline.
Comment: For these reasons, this variant has been classified as Pathogenic. This variant has not been reported in the literature in individuals affected with ACP5-related conditions. This variant is not present in population databases (gnomAD no frequency). This sequence change creates a premature translational stop signal (p.Arg176Glufs*3) in the ACP5 gene. It is expected to result in an absent or disrupted protein product. Loss-of-function variants in ACP5 are known to be pathogenic (PMID: 21217752, 21217755).

Literature cited by the submitters: PubMed 21217752; PubMed 21217755.